The following is an entry in ClinVar:

ClinVar aggregate classification (germline): Conflicting classifications of pathogenicity. Review status: criteria provided, conflicting classifications (1 of 4 stars). 2 submissions from 2 submitters: Uncertain significance (1); Likely benign (1). Last evaluated 2025-10-12.

Conditions:
SLC27A5-related disorder. Also called: SLC27A5-related condition.

Allele frequency attached by ClinVar (database versions not stated): gnomAD exomes 0.00002 and 0.00005; ExAC 0.00005; ESP Exome Variant Server 0.00015; 1000 Genomes Project 30x 0.00016; 1000 Genomes Project 0.00020; gnomAD 0.00021 and 0.00022; TOPMed 0.00025.
gnomAD v4.1: 68 of 1,613,780 alleles (0.0042%); highest among the groups gnomAD compares: African/African-American, 0.052%; no homozygotes.

Submissions (2):

PreventionGenetics, part of Exact Sciences
Classification: Likely benign for SLC27A5-related condition. Last evaluated: 2025-10-12. Review status: criteria provided, single submitter. Criteria: ACMG Guidelines, 2015. Collection method: clinical testing. Allele origin: germline.
Comment: This variant is classified as likely benign based on ACMG/AMP sequence variant interpretation guidelines (Richards et al. 2015 PMID: 25741868, with internal and published modifications).

Eurofins Ntd Llc (ga)
Classification: Uncertain significance. Last evaluated: 2017-08-23. Review status: criteria provided, single submitter. Criteria: EGL Classification Definitions 2015. Collection method: clinical testing. Allele origin: germline. Observed: 3 variant alleles, 3 heterozygotes.

NM_012254.3(SLC27A5):c.1419G>A (p.Ala473=)

Gene: SLC27A5 (solute carrier family 27 member 5; minus strand). Cytogenetic location: 19q13.43.
Variant type: single nucleotide variant.
Coding change: c.1419G>A on transcript NM_012254.3 (MANE Select); coding-DNA position 1419, G replaced by A.
Protein change: p.Ala473=; no amino-acid change (alanine 473 retained).
Molecular consequence: synonymous variant.
Genome position (GRCh38, 1-based): chr19:58,500,388, C>T on the plus strand (G>A on the coding strand, the complement: SLC27A5 is on the minus strand). VCF-style: chr19-58500388-C-T. GRCh37 (hg19) VCF-style: chr19-59011755-C-T.
Other names: c.1167G>A, p.Ala389= (NM_001321196.2); c.1419G>A (NM_012254.2).
Identifiers: ClinVar variation 500259 (VCV000500259.6), dbSNP rs375870114, ClinGen allele CA9717984.